The following is an entry in ClinVar:

ClinVar aggregate classification (germline): Benign (0 of 4 stars; one submission).

Conditions:
CDK16-related disorder. Also called: CDK16-related condition.

Allele frequency attached by ClinVar (database versions not stated): gnomAD exomes 0.00811; ExAC 0.03534; gnomAD 0.08324; TOPMed 0.09442; ESP Exome Variant Server 0.09583; 1000 Genomes Project 0.09695; 1000 Genomes Project 30x 0.09886.
gnomAD v4.1: 18,268 of 1,154,149 alleles (1.6%); highest among the groups gnomAD compares: African/African-American, 29%; 1,756 homozygotes.

Submission:

PreventionGenetics, part of Exact Sciences
Classification: Benign for CDK16-related condition. Last evaluated: 2019-06-11. Review status: no assertion criteria provided. Collection method: clinical testing. Allele origin: germline.
Comment: This variant is classified as benign based on ACMG/AMP sequence variant interpretation guidelines (Richards et al. 2015 PMID: 25741868, with internal and published modifications).

NM_006201.5(CDK16):c.-6-431A>G

Gene: CDK16 (cyclin dependent kinase 16; plus strand). Cytogenetic location: Xp11.3.
Variant type: single nucleotide variant.
Coding change: c.-6-431A>G on transcript NM_006201.5 (MANE Select); 431 bases into the intron before 6 bases upstream of the start codon, A replaced by G.
Molecular consequence: intron variant. On other transcripts: missense variant (1).
Genome position (GRCh38, 1-based): chrX:47,223,121, A>G. VCF-style: chrX-47223121-A-G. GRCh37 (hg19) VCF-style: chrX-47082520-A-G.
Other names: c.26A>G, p.Asp9Gly (NM_001170460.2); c.13-431A>G (NM_033018.4); short protein forms D9G.
Identifiers: ClinVar variation 3059282 (VCV003059282.2), dbSNP rs5953015, ClinGen allele CA10396333.